The following is an entry in ClinVar:

ClinVar aggregate classification (germline): Conflicting classifications of pathogenicity. Review status: criteria provided, conflicting classifications (1 of 4 stars). 2 submissions from 2 submitters: Uncertain significance (1); Likely benign (1). Last evaluated 2025-12-01.

Conditions:
Inborn genetic diseases. Identifiers: MedGen C0950123, MeSH D030342.

Allele frequency attached by ClinVar (database versions not stated): ExAC 0.00003; gnomAD exomes 0.00005; 1000 Genomes Project 30x 0.00016; 1000 Genomes Project 0.00020.
gnomAD v4.1: 32 of 1,614,198 alleles (0.002%); highest among the groups gnomAD compares: Admixed American, 0.018%; no homozygotes.

Submissions (2):

Labcorp Genetics (formerly Invitae), Labcorp
Classification: Uncertain significance. Last evaluated: 2025-12-01. Review status: criteria provided, single submitter. Criteria: Invitae Variant Classification Sherloc (09022015). Collection method: clinical testing. Allele origin: germline.
Comment: This sequence change replaces proline, which is neutral and non-polar, with alanine, which is neutral and non-polar, at codon 773 of the KMT2A protein (p.Pro773Ala). This variant is present in population databases (rs199922480, gnomAD 0.009%). This variant has not been reported in the literature in individuals affected with KMT2A-related conditions. ClinVar contains an entry for this variant (Variation ID: 1360462). Invitae Evidence Modeling of protein sequence and biophysical properties (such as structural, functional, and spatial information, amino acid conservation, physicochemical variation, residue mobility, and thermodynamic stability) indicates that this missense variant is not expected to disrupt KMT2A protein function with a negative predictive value of 95%. In summary, the available evidence is currently insufficient to determine the role of this variant in disease. Therefore, it has been classified as a Variant of Uncertain Significance.

Ambry Genetics
Classification: Likely benign for Inborn genetic diseases. Last evaluated: 2023-03-13. Review status: criteria provided, single submitter. Criteria: Ambry Variant Classification Scheme 2023. Collection method: clinical testing. Allele origin: germline.

NM_001197104.2(KMT2A):c.2317C>G (p.Pro773Ala)

Gene: KMT2A (lysine methyltransferase 2A; plus strand). Cytogenetic location: 11q23.3.
Variant type: single nucleotide variant.
Coding change: c.2317C>G on transcript NM_001197104.2 (MANE Select); coding-DNA position 2317, C replaced by G.
Protein change: p.Pro773Ala; replaces proline 773 with alanine.
Molecular consequence: missense variant.
Genome position (GRCh38, 1-based): chr11:118,473,476, C>G. VCF-style: chr11-118473476-C-G. GRCh37 (hg19) VCF-style: chr11-118344191-C-G.
Other names: c.2317C>G (NM_001197104.1); c.2317C>G, p.Pro773Ala (NM_005933.4); short protein forms P773A.
Identifiers: ClinVar variation 1360462 (VCV001360462.7), dbSNP rs199922480, ClinGen allele CA6303498.